The following is an entry in ClinVar:

ClinVar aggregate classification (germline): Benign/Likely benign. Review status: criteria provided, multiple submitters, no conflicts (2 of 4 stars). 2 submissions from 2 submitters: Benign (1); Likely benign (1). Last evaluated 2019-10-17.

Conditions:
Leigh syndrome (NULS). Also called: LEIGH SYNDROME, NUCLEAR; Leigh's necrotizing encephalopathy; Leigh's disease; Leigh Syndrome (mtDNA deletion); Leigh's syndrome; Leigh Disease. Identifiers: Orphanet 506, MedGen C2931891, MONDO:0009723, OMIM 256000.

Submissions (2):

Wong Mito Lab, Molecular and Human Genetics, Baylor College of Medicine
Classification: Benign for Leigh syndrome. Last evaluated: 2019-10-17. Review status: criteria provided, single submitter. Criteria: Modified ACMG Guidelines (Unpublished). Collection method: clinical testing. Allele origin: germline.
Comment: The NC_012920.1:m.12346C>T (YP_003024036.1:p.His4Tyr) variant in MTND5 gene is interpretated to be a Benign variant based on the modified ACMG guidelines (unpublished). This variant meets the following evidence codes: BA1

Center for Pediatric Genomic Medicine, Children's Mercy Hospital and Clinics
Classification: Likely benign. Last evaluated: 2017-04-03. Review status: criteria provided, single submitter. Criteria: ACMG Guidelines, 2015. Collection method: clinical testing. Allele origin: germline.

NC_012920.1(MT-ND5):m.12346C>T

Gene: MT-ND5 (mitochondrially encoded NADH dehydrogenase 5; plus strand).
Variant type: single nucleotide variant.
Genome position: chrM-12346-C-T.
Identifiers: ClinVar variation 445363 (VCV000445363.3), dbSNP rs200279497, ClinGen allele CA337099451.